The following is an entry in ClinVar:

ClinVar aggregate classification (germline): Likely benign. Review status: criteria provided, multiple submitters, no conflicts (2 of 4 stars). 3 submissions from 3 submitters: Likely benign (3). Last evaluated 2025-12-29.

Conditions:
DICER1-related tumor predisposition. Also called: DICER1-related pleuropulmonary blastoma cancer predisposition syndrome; DICER1 syndrome. Identifiers: Orphanet 284343, MedGen C3839822, MONDO:0100216.
Hereditary cancer-predisposing syndrome. Also called: Tumor predisposition; Hereditary Cancer Syndrome; Hereditary neoplastic syndrome; Neoplastic Syndromes, Hereditary. Identifiers: Orphanet 140162, MedGen C0027672, MeSH D009386, MONDO:0015356.

Submissions (3):

Ambry Genetics
Classification: Likely benign for Hereditary cancer-predisposing syndrome. Last evaluated: 2025-12-29. Review status: criteria provided, single submitter. Criteria: Ambry Variant Classification Scheme 2023. Collection method: clinical testing. Allele origin: germline.

Hereditary Cancer Group, L’Institut d'Investigació Biomèdica de Bellvitge
Classification: Likely benign for Hereditary cancer-predisposing syndrome. Last evaluated: 2024-12-19. Review status: criteria provided, single submitter. Criteria: Hatton et al. (Hum Mutat. 2023). Collection method: clinical testing. Allele origin: germline. Inheritance: Autosomal dominant inheritance. Affected: yes.
Comment: PM2_supporting, BP4, BP7

Labcorp Genetics (formerly Invitae), Labcorp
Classification: Likely benign for DICER1-related tumor predisposition. Last evaluated: 2023-07-07. Review status: criteria provided, single submitter. Criteria: Invitae Variant Classification Sherloc (09022015). Collection method: clinical testing. Allele origin: germline.

NM_177438.3(DICER1):c.4110G>A (p.Val1370=)

Gene: DICER1 (dicer 1, ribonuclease III; minus strand). Cytogenetic location: 14q32.13.
Variant type: single nucleotide variant.
Coding change: c.4110G>A on transcript NM_177438.3 (MANE Select); coding-DNA position 4110, G replaced by A.
Protein change: p.Val1370=; no amino-acid change (valine 1370 retained).
Molecular consequence: synonymous variant. On other transcripts: non-coding transcript variant (6).
Genome position (GRCh38, 1-based): chr14:95,099,876, C>T on the plus strand (G>A on the coding strand, the complement: DICER1 is on the minus strand). VCF-style: chr14-95099876-C-T. GRCh37 (hg19) VCF-style: chr14-95566213-C-T.
Other names: c.4110G>A, p.Val1370= (NM_001195573.1, NM_001271282.3, NM_001291628.2 and 13 more transcripts); c.3828G>A, p.Val1276= (NM_001395686.1); c.3705G>A, p.Val1235= (NM_001395687.1, NM_001395688.1, NM_001395689.1 and 2 more transcripts); c.3543G>A, p.Val1181= (NM_001395691.1); c.2427G>A, p.Val809= (NM_001395697.1).
Identifiers: ClinVar variation 2736980 (VCV002736980.5), dbSNP rs2139902276, ClinGen allele CA487625788.